The following is an entry in ClinVar:

NM_152730.6(TBC1D32):c.795_798del (p.Ser266fs)

Gene: TBC1D32 (TBC1 domain family member 32; minus strand). Cytogenetic location: 6q22.31.
Variant type: Microsatellite.
Coding change: c.795_798del on transcript NM_152730.6 (MANE Select); coding-DNA positions 795 to 798, 4 bases deleted (TTCT; older notation c.795_798delTTCT).
Protein change: p.Ser266fs; shifts the reading frame from serine 266.
Molecular consequence: frameshift variant. On other transcripts: non-coding transcript variant (1).
Genome position (GRCh38, 1-based): chr6:121,304,597-121,304,600, AGAA deleted on the plus strand (TTCT on the coding strand, the reverse complement: TBC1D32 is on the minus strand); deleting any 4 consecutive bases within chr6:121,304,597-121,304,606 gives the same sequence; the c. name uses the placement nearest the transcript's 3' end. VCF-style (leftmost placement, unchanged base first): chr6-121304596-TAGAA-T. GRCh37 (hg19) VCF-style: chr6-121625742-TAGAA-T.
Other names: c.795_798del, p.Ser266fs (NM_001367759.1, NM_001367760.1); short protein forms S266fs.
Identifiers: ClinVar variation 2957961 (VCV002957961.3), dbSNP rs759071569, ClinGen allele CA3981367.
Genomic context (GRCh38, chr6:121,304,596, plus strand): 5'-GAGTCATATTAGGATTAGTTATATCTACACCAGCTGAAAGAGTAGGAATATGATTTTCCC[TAGAA>T]AGAAAGTATGACTCCAAATACTTAGCTGAAAAAAAAGGGAAAACATAAAATTACATCATT-3'

ClinVar aggregate classification (germline): Pathogenic (1 of 4 stars; one submission).

Submission:

Labcorp Genetics (formerly Invitae), Labcorp
Classification: Pathogenic. Last evaluated: 2024-01-11. Review status: criteria provided, single submitter. Criteria: Invitae Variant Classification Sherloc (09022015). Collection method: clinical testing. Allele origin: germline.
Comment: This sequence change creates a premature translational stop signal (p.Ser266Glyfs*12) in the TBC1D32 gene. It is expected to result in an absent or disrupted protein product. Loss-of-function variants in TBC1D32 are known to be pathogenic (PMID: 37768732). This variant is present in population databases (rs759071569, gnomAD 0.002%). This variant has not been reported in the literature in individuals affected with TBC1D32-related conditions. For these reasons, this variant has been classified as Pathogenic.

Literature cited by the submitters: PubMed 37768732.